The following is an entry in ClinVar:

ClinVar aggregate classification (germline): Uncertain significance. Review status: criteria provided, multiple submitters, no conflicts (2 of 4 stars). 2 submissions from 2 submitters: Uncertain significance (2). Last evaluated 2022-07-13.

Conditions:
Fanconi anemia (FA). Also called: Fanconi's anemia. Identifiers: Orphanet 84, MedGen C0015625, MeSH D005199, MONDO:0019391.

gnomAD v4.1: 9 of 1,613,810 alleles (0.00056%); highest among the groups gnomAD compares: Non-Finnish European, 0.00068%; no homozygotes.

Submissions (2):

Labcorp Genetics (formerly Invitae), Labcorp
Classification: Uncertain significance for Fanconi anemia. Last evaluated: 2022-07-13. Review status: criteria provided, single submitter. Criteria: Invitae Variant Classification Sherloc (09022015). Collection method: clinical testing. Allele origin: germline.
Comment: In summary, the available evidence is currently insufficient to determine the role of this variant in disease. Therefore, it has been classified as a Variant of Uncertain Significance. Algorithms developed to predict the effect of missense changes on protein structure and function output the following: SIFT: "Tolerated"; PolyPhen-2: "Benign"; Align-GVGD: "Class C0". The arginine amino acid residue is found in multiple mammalian species, which suggests that this missense change does not adversely affect protein function. ClinVar contains an entry for this variant (Variation ID: 659985). This variant has not been reported in the literature in individuals affected with FANCM-related conditions. This variant is not present in population databases (gnomAD no frequency). This sequence change replaces cysteine, which is neutral and slightly polar, with arginine, which is basic and polar, at codon 1083 of the FANCM protein (p.Cys1083Arg).

GeneDx
Classification: Uncertain significance. Last evaluated: 2021-02-01. Review status: criteria provided, single submitter. Criteria: GeneDx Variant Classification Process June 2021. Collection method: clinical testing. Allele origin: germline. Affected: yes.
Comment: Not observed in large population cohorts (Lek 2016); In silico analysis supports that this missense variant does not alter protein structure/function; Has not been previously published as pathogenic or benign to our knowledge

NM_020937.4(FANCM):c.3247T>C (p.Cys1083Arg)

Gene: FANCM (FA complementation group M; plus strand). Cytogenetic location: 14q21.2.
Variant type: single nucleotide variant.
Coding change: c.3247T>C on transcript NM_020937.4 (MANE Select); coding-DNA position 3247, T replaced by C.
Protein change: p.Cys1083Arg; replaces cysteine 1083 with arginine.
Molecular consequence: missense variant.
Genome position (GRCh38, 1-based): chr14:45,176,001, T>C. VCF-style: chr14-45176001-T-C. GRCh37 (hg19) VCF-style: chr14-45645204-T-C.
Other names: c.3247T>C (LRG_502t1); c.3169T>C, p.Cys1057Arg (NM_001308133.2); short protein forms C1057R, C1083R.
Identifiers: ClinVar variation 659985 (VCV000659985.10), dbSNP rs1594798970, ClinGen allele CA389600568.